The following is an entry in ClinVar:

ClinVar aggregate classification (germline): Likely pathogenic. Review status: reviewed by expert panel (3 of 4 stars). 8 submissions from 8 submitters: Likely pathogenic (1). 7 of the submissions do not count toward it. Last evaluated 2026-10-12.

Conditions:
RMRP-related disorder. Also called: RMRP-related condition.
Metaphyseal chondrodysplasia, McKusick type (CHH). Also called: Cartilage-hair hypoplasia; Cartilage-Hair Hypoplasia (CHH). Identifiers: Orphanet 175, MedGen C0220748, MONDO:0009595, OMIM 250250.
Metaphyseal dysplasia without hypotrichosis. Also called: CARTILAGE-HAIR HYPOPLASIA VARIANT, SKELETAL MANIFESTATIONS ONLY; CARTILAGE-HAIR HYPOPLASIA-LIKE SKELETAL DYSPLASIA WITHOUT HYPOTRICHOSIS OR IMMUNODEFICIENCY; Metaphyseal Dysplasia without Hypotrichosis (MDWH). Identifiers: MedGen C1834821, MONDO:0009601, OMIM 250460.
Anauxetic dysplasia. Identifiers: Orphanet 93347, MedGen C1846796, MONDO:0011773.

Allele frequency attached by ClinVar (database versions not stated): gnomAD 0.00015 and 0.00016; ExAC 0.00084; gnomAD exomes 0.00036; TOPMed 0.00014.
gnomAD v4.1: 144 of 697,042 alleles (0.021%); highest among the groups gnomAD compares: Non-Finnish European, 0.0073%; no homozygotes.

Submissions (8):

ClinGen Severe Combined Immunodeficiency Variant Curation Expert Panel, ClinGen
Classification: Likely pathogenic for Metaphyseal chondrodysplasia, McKusick type. Last evaluated: 2026-10-12. Review status: reviewed by expert panel. Criteria: ClinGen SCID ACMG Specifications RMRP V1.3. Collection method: curation. Allele origin: germline. Inheritance: Autosomal recessive inheritance.
Comment: The variant NC_000009.12:g.35657780G>A in RMRP is also known as NR_003051.4(RMRP):n.240C>T or NR_003051.3:n.238C>T. At least one patient with this variant displayed SCID/Leaky SCID and Hirschsprung's disease, which is highly specific for autosomal recessive cartilage-hair hypoplasia (PP4_Supporting, PMID: 35166674). This variant has been detected in at least 4 individuals with autosomal recessive cartilage-hair hypoplasia. Of those individuals, 4 were compound heterozygous for the variant and an approved pathogenic or likely pathogenic variant and 4 of those were confirmed in trans by parental/family testing (PMIDs: 16244706, 35166674, external communication; NC_000009.12:g.35658014G>A, NC_000009.12:g.35657948T>C, NC_000009.12:g.35658023_35658039dup, NC_000009.12:g.35658018_35658021dup, ClinVar Variation IDs: 552477, 14208, 14214, 917560) (PM3_Very Strong). The Total GrpMax filtering allele frequency (the lower threshold of the 95% CI of 28/382054) in gnomAD v4.1.1 is 0.00005178 in the European (non-Finnish) population (PM2_Supporting, BS1, and BA1 are not met). In summary, this variant meets the criteria to be classified as Likely Pathogenic for autosomal recessive cartilage-hair hypoplasia based on the ACMG/AMP criteria applied, as specified by the ClinGen SCID VCEP: PP4_Supporting, PM3_Very Strong. (RMRP specifications version 1.3.0)

Women's Health and Genetics/Laboratory Corporation of America, LabCorp
Classification: Pathogenic for Metaphyseal chondrodysplasia, McKusick type. Last evaluated: 2026-04-13. Review status: criteria provided, single submitter. Criteria: LabCorp Variant Classification Summary - May 2015. Collection method: clinical testing. Allele origin: germline. Not counted in ClinVar's aggregate classification.
Comment: Variant summary: RMRP n.239C>T (also known as n.238C>T or NC_000009.11: chr9:g.35657777G>A) alters a nucleotide in the non-coding RNA. The variant allele was found at a frequency of 0.00036 in 129036 control chromosomes. This frequency is not significantly higher than estimated for disease-causing variants in RMRP, allowing no conclusion about variant significance. n.239C>T has been observed in individual(s) affected with Cartilage-Hair Hypoplasia. These data indicate that the variant is likely to be associated with disease. To our knowledge, no experimental evidence demonstrating an impact on protein function has been reported. The following publications have been ascertained in the context of this evaluation (PMID: 12107819, 16244706, 35166674). ClinVar contains an entry for this variant (Variation ID: 577282). Based on the evidence outlined above, the variant was classified as pathogenic.

Labcorp Genetics (formerly Invitae), Labcorp
Classification: Pathogenic for Anauxetic dysplasia. Last evaluated: 2026-01-19. Review status: criteria provided, single submitter. Criteria: Invitae Variant Classification Sherloc (09022015). Collection method: clinical testing. Allele origin: germline. Not counted in ClinVar's aggregate classification.
Comment: This variant occurs in the RMRP gene, which encodes an RNA molecule that does not result in a protein product. This variant is present in population databases (rs749667892, gnomAD 0.4%). This variant has been observed in individual(s) with cartilage-hair hypoplasia anauxetic dysplasia (CHH-AD) spectrum disorders (PMID: 11940090, 12107819, 16244706). In at least one individual the data is consistent with being in trans (on the opposite chromosome) from a pathogenic variant. This variant is also known as g.238C>T. ClinVar contains an entry for this variant (Variation ID: 577282). For these reasons, this variant has been classified as Pathogenic.

Natera, Inc.
Classification: Likely pathogenic for Cartilage-hair hypoplasia. Last evaluated: 2025-09-22. Review status: criteria provided, single submitter. Criteria: Natera Variant Classification Schema (03/2026). Collection method: clinical testing. Allele origin: germline. Not counted in ClinVar's aggregate classification.
Comment: The n.239C>T variant in RMRP is characterized as a single nucleotide variant (SNV). This variant is rare in the general population with a frequency below the threshold expected for the associated phenotype(s). This variant has been observed in one or more individuals affected with the associated recessive disease, as either homozygous or compound heterozygous with a second variant (PMID: 12107819, 16244706, 35166674). Given the available evidence, this variant is classified as Likely Pathogenic.

Blueprint Genetics
Classification: Likely pathogenic for RMRP-related disorders. Last evaluated: 2024-10-14. Review status: criteria provided, single submitter. Criteria: ACMG Guidelines, 2015. Collection method: clinical testing. Allele origin: germline. Affected: yes. Observed: 5 variant alleles. Not counted in ClinVar's aggregate classification.

Victorian Clinical Genetics Services, Murdoch Childrens Research Institute
Classification: Pathogenic for Metaphyseal chondrodysplasia, McKusick type. Last evaluated: 2023-12-21. Review status: criteria provided, single submitter. Criteria: ACMG Guidelines, 2015. Collection method: clinical testing. Allele origin: germline. Inheritance: Autosomal recessive inheritance. Affected: yes. Not counted in ClinVar's aggregate classification.
Comment: Based on the classification scheme VCGS_Germline_v1.3.4, this variant is classified as Pathogenic. Following criteria are met: 0102 - Loss of function is a known mechanism of disease in this gene and is associated with Anauxetic dysplasia 1 (MIM#607095), Cartilage-hair hypoplasia (MIM#250250), and Metaphyseal dysplasia without hypotrichosis (MIM#250460). (I) 0106 - This gene is associated with autosomal recessive disease. (I) 0115 - Variants in this gene are known to have variable expressivity. Significant inter and intrafamilial phenotypic heterogeneity has been reported (PMID: 18804272, 8444246). (I) 0218 - Non-coding variant without known or predicted effect. (I) 0251 - This variant is heterozygous. (I) 0304 - Variant is present in gnomAD (v2) <0.01 for a recessive condition (50 heterozygotes, 0 homozygotes). (SP) 0505 - The affected nucleotide is highly conserved. (SP) 0705 - No comparable variants have previous evidence for pathogenicity. (I) 0801 - This variant has strong previous evidence of pathogenicity in unrelated individuals. This variant is also known as n.238C>T and has been identified in individuals with metaphyseal dysplasia without hypotrichosis and in individuals with cartilage-hair hypoplasia in trans with other pathogenic variants (PMID: 12107819, PMID: 16244706, ClinVar). (SP) 0905 - No published segregation evidence has been identified for this variant. (I) 1007 - No published functional evidence has been identified for this variant. (I) Legend: (SP) - Supporting pathogenic, (I) - Information, (SB) - Supporting benign

Department of Pathology and Laboratory Medicine, Sinai Health System
Classification: Likely pathogenic for Metaphyseal chondrodysplasia, McKusick type; Metaphyseal dysplasia without hypotrichosis. Last evaluated: 2023-02-13. Review status: criteria provided, single submitter. Criteria: ACMG Guidelines, 2015. Collection method: research. Allele origin: germline. Not counted in ClinVar's aggregate classification.

OMIM
Classification: Pathogenic for METAPHYSEAL DYSPLASIA WITHOUT HYPOTRICHOSIS. Last evaluated: 2002-02-01. Review status: no assertion criteria provided. Collection method: literature only. Allele origin: germline. Not counted in ClinVar's aggregate classification.

Literature cited by the submitters: PubMed 16244706 (cited by 4 submitters); PubMed 12107819 (cited by 4 submitters); PubMed 35166674 (cited by Women's Health and Genetics/Laboratory Corporation of America, LabCorp and Natera, Inc.); PubMed 11940090 (cited by Labcorp Genetics (formerly Invitae), Labcorp and OMIM); PubMed 8444246 (cited by Victorian Clinical Genetics Services, Murdoch Childrens Research Institute); PubMed 18804272 (cited by Victorian Clinical Genetics Services, Murdoch Childrens Research Institute).

NR_003051.4(RMRP):n.240C>T

Gene: RMRP (RNA component of mitochondrial RNA processing endoribonuclease; minus strand). Cytogenetic location: 9p13.3.
Variant type: single nucleotide variant.
Genome position: GRCh38 VCF-style: chr9-35657780-G-A. GRCh37 (hg19) VCF-style: chr9-35657777-G-A.
Other names: 238C-T.
Identifiers: ClinVar variation 577282 (VCV000577282.21), dbSNP rs749667892, ClinGen allele CA5045819.